The following is an entry in ClinVar:

ClinVar aggregate classification (germline): Likely benign (1 of 4 stars; one submission).

gnomAD v4.1: 29 of 1,614,014 alleles (0.0018%); highest among the groups gnomAD compares: African/African-American, 0.004%; no homozygotes.

Submission:

CeGaT Center for Human Genetics Tuebingen
Classification: Likely benign. Last evaluated: 2025-04-01. Review status: criteria provided, single submitter. Criteria: CeGaT Center For Human Genetics Tuebingen Variant Classification Criteria Version 2. Collection method: clinical testing. Allele origin: germline. Affected: yes. Observed: 1 variant allele.
Comment: ASTN1: BP4, BP7

NM_004319.3(ASTN1):c.2760C>T (p.Ser920=)

Gene: ASTN1 (astrotactin 1; minus strand). Cytogenetic location: 1q25.2.
Variant type: single nucleotide variant.
Coding change: c.2760C>T on transcript NM_004319.3 (MANE Select); coding-DNA position 2760, C replaced by T.
Protein change: p.Ser920=; no amino-acid change (serine 920 retained).
Molecular consequence: synonymous variant.
Genome position (GRCh38, 1-based): chr1:176,894,742, G>A on the plus strand (C>T on the coding strand, the complement: ASTN1 is on the minus strand). VCF-style: chr1-176894742-G-A. GRCh37 (hg19) VCF-style: chr1-176863878-G-A.
Other names: c.2760C>T, p.Ser920= (NM_001286164.2, NM_207108.3); c.2784C>T, p.Ser928= (NM_001364856.2).
Identifiers: ClinVar variation 3898428 (VCV003898428.7).